The following is an entry in ClinVar:

ClinVar aggregate classification (germline): Uncertain significance (1 of 4 stars; one submission).

Conditions:
Alstrom syndrome (ALMS). Identifiers: Orphanet 64, MedGen C0268425, MONDO:0008763, OMIM 203800.

Allele frequency attached by ClinVar (database versions not stated): TOPMed below 0.00001; gnomAD 0.00001.
gnomAD v4.1: 6 of 1,613,776 alleles (0.00037%); highest among the groups gnomAD compares: African/African-American, 0.0027%; no homozygotes.

Submission:

Labcorp Genetics (formerly Invitae), Labcorp
Classification: Uncertain significance for Alstrom syndrome. Last evaluated: 2022-05-29. Review status: criteria provided, single submitter. Criteria: Invitae Variant Classification Sherloc (09022015). Collection method: clinical testing. Allele origin: germline.
Comment: This sequence change replaces glutamic acid, which is acidic and polar, with lysine, which is basic and polar, at codon 3447 of the ALMS1 protein (p.Glu3447Lys). This variant is present in population databases (no rsID available, gnomAD 0.003%). This variant has not been reported in the literature in individuals affected with ALMS1-related conditions. Experimental studies and prediction algorithms are not available or were not evaluated, and the functional significance of this variant is currently unknown. In summary, the available evidence is currently insufficient to determine the role of this variant in disease. Therefore, it has been classified as a Variant of Uncertain Significance.

NM_001378454.1(ALMS1):c.10336G>A (p.Glu3446Lys)

Gene: ALMS1 (ALMS1 centrosome and basal body associated protein; plus strand). Cytogenetic location: 2p13.1.
Variant type: single nucleotide variant.
Coding change: c.10336G>A on transcript NM_001378454.1 (MANE Select); coding-DNA position 10336, G replaced by A.
Protein change: p.Glu3446Lys; replaces glutamic acid 3446 with lysine.
Molecular consequence: missense variant.
Genome position (GRCh38, 1-based): chr2:73,559,094, G>A. VCF-style: chr2-73559094-G-A. GRCh37 (hg19) VCF-style: chr2-73786221-G-A.
Other names: c.10339G>A, p.Glu3447Lys (NM_015120.4); short protein forms E3447K, E3446K.
Identifiers: ClinVar variation 2083910 (VCV002083910.1), dbSNP rs1329337908, ClinGen allele CA347278256.
Genomic context (GRCh38, chr2:73,559,094, plus strand): 5'-TTGCCAGACACTAAAGCCATTACACAGAAAGAGGAGATCCATAGGAAGAAGACAGTTCCC[G>A]AGGAAGCCTGGCCAAACAATAAAGAATCCCTACAGATCAATATTGAAGGTAATGGGATTG-3'
Protein context (NP_001365383.1, residues 3436-3456): EEIHRKKTVP[Glu3446Lys]EAWPNNKESL